The following is an entry in ClinVar:

ClinVar aggregate classification (germline): Uncertain significance (1 of 4 stars; one submission).

Submission:

Women's Health and Genetics/Laboratory Corporation of America, LabCorp
Classification: Uncertain significance. Last evaluated: 2025-06-27. Review status: criteria provided, single submitter. Criteria: LabCorp Variant Classification Summary - May 2015. Collection method: clinical testing. Allele origin: germline.
Comment: Variant summary: NOTCH3 c.2955_2956delinsGG (p.Cys986Gly) results in a non-conservative amino acid change located in the Epidermal growth factor-like domain (IPR000742) of the encoded protein sequence. Algorithms developed to predict the effect of missense changes on protein structure and function all suggest that this variant is likely to be disruptive. The variant was absent in 214486 control chromosomes. The available data on variant occurrences in the general population are insufficient to allow any conclusion about variant significance. To our knowledge, no occurrence of c.2955_2956delinsGG in individuals affected with Cerebral arteriopathy, autosomal dominant, with subcortical infarcts and leukoencephalopathy, type 1 and no experimental evidence demonstrating its impact on protein function have been reported. No submitters have cited clinical-significance assessments for this variant to ClinVar. Based on the evidence outlined above, the variant was classified as uncertain significance.

NM_000435.3(NOTCH3):c.2955_2956delinsGG (p.Cys986Gly)

Gene: NOTCH3 (notch receptor 3; minus strand). Cytogenetic location: 19p13.12.
Variant type: Indel.
Coding change: c.2955_2956delinsGG on transcript NM_000435.3 (MANE Select); coding-DNA positions 2955 to 2956, CT replaced by GG.
Protein change: p.Cys986Gly; replaces cysteine 986 with glycine.
Molecular consequence: missense variant.
Genome position (GRCh38, 1-based): chr19:15,180,999-15,181,000, AG replaced by CC on the plus strand (CT replaced by GG on the coding strand, the reverse complement: NOTCH3 is on the minus strand). VCF-style: chr19-15180999-AG-CC. GRCh37 (hg19) VCF-style: chr19-15291810-AG-CC.
Other names: short protein forms C986G.
Identifiers: ClinVar variation 3907216 (VCV003907216.1).